The following is an entry in ClinVar:

NM_000233.4(LHCGR):c.1526T>C (p.Met509Thr)

Genes: LHCGR (luteinizing hormone/choriogonadotropin receptor; minus strand), STON1-GTF2A1L (STON1-GTF2A1L readthrough; plus strand). Cytogenetic location: 2p16.3.
Variant type: single nucleotide variant.
Coding change: c.1526T>C on transcript NM_000233.4 (MANE Select); coding-DNA position 1526, T replaced by C.
Protein change: p.Met509Thr; replaces methionine 509 with threonine.
Molecular consequence: missense variant. On other transcripts: intron variant (1).
Genome position (GRCh38, 1-based): chr2:48,688,271, A>G on the plus strand (T>C on the coding strand, the complement: LHCGR is on the minus strand). VCF-style: chr2-48688271-A-G. GRCh37 (hg19) VCF-style: chr2-48915410-A-G.
Other names: c.3441+16591A>G (NM_001198593.2); short protein forms M509T.
Identifiers: ClinVar variation 2919521 (VCV002919521.3), dbSNP rs184344702, ClinGen allele CA1653020.

ClinVar aggregate classification (germline): Uncertain significance (1 of 4 stars; one submission).

Allele frequency attached by ClinVar (database versions not stated): ExAC 0.00002; gnomAD 0.00002; TOPMed 0.00002; 1000 Genomes Project 0.00020; 1000 Genomes Project 30x 0.00031.
gnomAD v4.1: 54 of 1,614,104 alleles (0.0033%); highest among the groups gnomAD compares: Admixed American, 0.012%; no homozygotes.

Submission:

Labcorp Genetics (formerly Invitae), Labcorp
Classification: Uncertain significance. Last evaluated: 2023-09-15. Review status: criteria provided, single submitter. Criteria: Invitae Variant Classification Sherloc (09022015). Collection method: clinical testing. Allele origin: germline.
Comment: Advanced modeling of protein sequence and biophysical properties (such as structural, functional, and spatial information, amino acid conservation, physicochemical variation, residue mobility, and thermodynamic stability) performed at Invitae indicates that this missense variant is not expected to disrupt LHCGR protein function. This variant has not been reported in the literature in individuals affected with LHCGR-related conditions. This variant is present in population databases (rs184344702, gnomAD 0.02%). In summary, the available evidence is currently insufficient to determine the role of this variant in disease. Therefore, it has been classified as a Variant of Uncertain Significance. This sequence change replaces methionine, which is neutral and non-polar, with threonine, which is neutral and polar, at codon 509 of the LHCGR protein (p.Met509Thr).